The following is an entry in ClinVar:

ClinVar aggregate classification (germline): Uncertain significance (1 of 4 stars; one submission).

Conditions:
Carney complex, type 1 (CNC1). Also called: CARNEY COMPLEX, TYPE I; CARNEY MYXOMA-ENDOCRINE COMPLEX. Identifiers: Orphanet 1359, MedGen C2607929, MONDO:0008057, OMIM 160980.

Allele frequency attached by ClinVar (database versions not stated): gnomAD exomes below 0.00001.
gnomAD v4.1: 1 of 1,614,142 alleles (0.000062%); highest among the groups gnomAD compares: East Asian, 0.0022%; no homozygotes.

Submission:

Labcorp Genetics (formerly Invitae), Labcorp
Classification: Uncertain significance for Carney complex, type 1. Last evaluated: 2022-06-14. Review status: criteria provided, single submitter. Criteria: Invitae Variant Classification Sherloc (09022015). Collection method: clinical testing. Allele origin: germline.
Comment: In summary, the available evidence is currently insufficient to determine the role of this variant in disease. Therefore, it has been classified as a Variant of Uncertain Significance. Algorithms developed to predict the effect of missense changes on protein structure and function output the following: SIFT: "Tolerated"; PolyPhen-2: "Benign"; Align-GVGD: "Class C0". The valine amino acid residue is found in multiple mammalian species, which suggests that this missense change does not adversely affect protein function. This variant has not been reported in the literature in individuals affected with PRKAR1A-related conditions. This variant is present in population databases (no rsID available, gnomAD 0.006%). This sequence change replaces alanine, which is neutral and non-polar, with valine, which is neutral and non-polar, at codon 71 of the PRKAR1A protein (p.Ala71Val).

NM_002734.5(PRKAR1A):c.212C>T (p.Ala71Val)

Gene: PRKAR1A (protein kinase cAMP-dependent type I regulatory subunit alpha; plus strand). Cytogenetic location: 17q24.2.
Variant type: single nucleotide variant.
Coding change: c.212C>T on transcript NM_002734.5 (MANE Select); coding-DNA position 212, C replaced by T.
Protein change: p.Ala71Val; replaces alanine 71 with valine.
Molecular consequence: missense variant.
Genome position (GRCh38, 1-based): chr17:68,522,790, C>T. VCF-style: chr17-68522790-C-T. GRCh37 (hg19) VCF-style: chr17-66518931-C-T.
Other names: c.212C>T, p.Ala71Val (NM_001276289.2, NM_001276290.1, NM_001278433.2 and 4 more transcripts); short protein forms A71V.
Identifiers: ClinVar variation 2081716 (VCV002081716.4), dbSNP rs1281684412, ClinGen allele CA400752234.